The following is an entry in ClinVar:

ClinVar aggregate classification (germline): Uncertain significance (1 of 4 stars; one submission).

Conditions:
Inborn genetic diseases. Identifiers: MedGen C0950123, MeSH D030342.

Submission:

Ambry Genetics
Classification: Uncertain significance for Inborn genetic diseases. Last evaluated: 2022-08-05. Review status: criteria provided, single submitter. Criteria: Ambry Variant Classification Scheme 2023. Collection method: clinical testing. Allele origin: germline.
Comment: The c.994+3A>G intronic alteration consists of a A to G substitution nucleotides after coding exon 2 in the NR4A2 gene. Based on insufficient or conflicting evidence, the clinical significance of this alteration remains unclear.

NM_006186.4(NR4A2):c.994+3A>G

Gene: NR4A2 (nuclear receptor subfamily 4 group A member 2; minus strand). Cytogenetic location: 2q24.1.
Variant type: single nucleotide variant.
Coding change: c.994+3A>G on transcript NM_006186.4 (MANE Select); 3 bases into the intron after coding-DNA position 994, A replaced by G.
Molecular consequence: intron variant.
Genome position (GRCh38, 1-based): chr2:156,328,401, T>C on the plus strand (A>G on the coding strand, the complement: NR4A2 is on the minus strand). VCF-style: chr2-156328401-T-C. GRCh37 (hg19) VCF-style: chr2-157184913-T-C.
Other names: c.805+3A>G (NM_173173.3).
Identifiers: ClinVar variation 2298791 (VCV002298791.2), dbSNP rs2468282427, ClinGen allele CA2580064096.